The following is an entry in ClinVar:

ClinVar aggregate classification (germline): Uncertain significance. Review status: criteria provided, multiple submitters, no conflicts (2 of 4 stars). 2 submissions from 2 submitters: Uncertain significance (2). Last evaluated 2025-10-14.

Conditions:
Nephronophthisis 15 (NPHP15). Identifiers: Orphanet 3156, MedGen C3541853, MONDO:0013917, OMIM 614845.

Allele frequency attached by ClinVar (database versions not stated): ExAC 0.00001; gnomAD 0.00001; gnomAD exomes 0.00001.
gnomAD v4.1: 15 of 1,613,986 alleles (0.00093%); highest among the groups gnomAD compares: South Asian, 0.0077%; no homozygotes.

Submissions (2):

Labcorp Genetics (formerly Invitae), Labcorp
Classification: Uncertain significance for Nephronophthisis 15. Last evaluated: 2025-10-14. Review status: criteria provided, single submitter. Criteria: Invitae Variant Classification Sherloc (09022015). Collection method: clinical testing. Allele origin: germline.
Comment: This sequence change replaces valine, which is neutral and non-polar, with methionine, which is neutral and non-polar, at codon 825 of the CEP164 protein (p.Val825Met). This variant is present in population databases (rs373870559, gnomAD 0.01%). This variant has not been reported in the literature in individuals affected with CEP164-related conditions. ClinVar contains an entry for this variant (Variation ID: 1510395). Invitae Evidence Modeling of protein sequence and biophysical properties (such as structural, functional, and spatial information, amino acid conservation, physicochemical variation, residue mobility, and thermodynamic stability) indicates that this missense variant is not expected to disrupt CEP164 protein function with a negative predictive value of 80%. In summary, the available evidence is currently insufficient to determine the role of this variant in disease. Therefore, it has been classified as a Variant of Uncertain Significance.

Fulgent Genetics
Classification: Uncertain significance for Nephronophthisis 15. Last evaluated: 2022-03-04. Review status: criteria provided, single submitter. Criteria: ACMG Guidelines, 2015. Collection method: clinical testing. Allele origin: unknown.

NM_014956.5(CEP164):c.2473G>A (p.Val825Met)

Gene: CEP164 (centrosomal protein 164; plus strand). Cytogenetic location: 11q23.3.
Variant type: single nucleotide variant.
Coding change: c.2473G>A on transcript NM_014956.5 (MANE Select); coding-DNA position 2473, G replaced by A.
Protein change: p.Val825Met; replaces valine 825 with methionine.
Molecular consequence: missense variant.
Genome position (GRCh38, 1-based): chr11:117,392,607, G>A. VCF-style: chr11-117392607-G-A. GRCh37 (hg19) VCF-style: chr11-117263323-G-A.
Other names: c.2482G>A, p.Val828Met (NM_001271933.2); short protein forms V828M, V825M.
Identifiers: ClinVar variation 1510395 (VCV001510395.7), dbSNP rs373870559, ClinGen allele CA6295073.